The following is an entry in ClinVar:

NM_000180.4(GUCY2D):c.1841A>C (p.Asn614Thr)

Gene: GUCY2D (guanylate cyclase 2D, retinal; plus strand). Cytogenetic location: 17p13.1.
Variant type: single nucleotide variant.
Coding change: c.1841A>C on transcript NM_000180.4 (MANE Select); coding-DNA position 1841, A replaced by C.
Protein change: p.Asn614Thr; replaces asparagine 614 with threonine.
Molecular consequence: missense variant.
Genome position (GRCh38, 1-based): chr17:8,012,235, A>C. VCF-style: chr17-8012235-A-C. GRCh37 (hg19) VCF-style: chr17-7915553-A-C.
Other names: short protein forms N614T.
Identifiers: ClinVar variation 1380575 (VCV001380575.6), dbSNP rs1975865453, ClinGen allele CA397951506.

ClinVar aggregate classification (germline): Uncertain significance (1 of 4 stars; one submission).

Conditions:
Cone-rod dystrophy 6 (CORD6). Also called: Cone dystrophy progressive; RETINAL CONE DYSTROPHY 2. Identifiers: Orphanet 1872, MedGen C1866293, MONDO:0011143, OMIM 601777.
Leber congenital amaurosis 1 (LCA1). Also called: RETINAL BLINDNESS, CONGENITAL; AMAUROSIS CONGENITA OF LEBER I; Congenital absence of the rods and cones; Leber's congenital tapetoretinal degeneration; Leber's congenital tapetoretinal dysplasia. Identifiers: Orphanet 65, MedGen C2931258, MONDO:0008764, OMIM 204000.

Submission:

Labcorp Genetics (formerly Invitae), Labcorp
Classification: Uncertain significance for Leber congenital amaurosis 1; Cone-rod dystrophy 6. Last evaluated: 2022-07-12. Review status: criteria provided, single submitter. Criteria: Invitae Variant Classification Sherloc (09022015). Collection method: clinical testing. Allele origin: germline.
Comment: In summary, the available evidence is currently insufficient to determine the role of this variant in disease. Therefore, it has been classified as a Variant of Uncertain Significance. Algorithms developed to predict the effect of missense changes on protein structure and function output the following: SIFT: "Tolerated"; PolyPhen-2: "Benign"; Align-GVGD: "Class C0". The threonine amino acid residue is found in multiple mammalian species, which suggests that this missense change does not adversely affect protein function. ClinVar contains an entry for this variant (Variation ID: 1380575). This variant has not been reported in the literature in individuals affected with GUCY2D-related conditions. This variant is not present in population databases (gnomAD no frequency). This sequence change replaces asparagine, which is neutral and polar, with threonine, which is neutral and polar, at codon 614 of the GUCY2D protein (p.Asn614Thr).